The following is an entry in ClinVar:

NM_001875.5(CPS1):c.1582G>C (p.Glu528Gln)

Gene: CPS1 (carbamoyl-phosphate synthase 1; plus strand). Cytogenetic location: 2q34.
Variant type: single nucleotide variant.
Coding change: c.1582G>C on transcript NM_001875.5 (MANE Select); coding-DNA position 1582, G replaced by C.
Protein change: p.Glu528Gln; replaces glutamic acid 528 with glutamine.
Molecular consequence: missense variant. On other transcripts: non-coding transcript variant (2).
Genome position (GRCh38, 1-based): chr2:210,600,587, G>C. VCF-style: chr2-210600587-G-C. GRCh37 (hg19) VCF-style: chr2-211465311-G-C.
Other names: c.1582G>C, p.Glu528Gln (NM_001122633.3, NM_001369257.1); c.1615G>C, p.Glu539Gln (NM_001369256.1); short protein forms E539Q, E528Q.
Identifiers: ClinVar variation 1400568 (VCV001400568.5), dbSNP rs763466112, ClinGen allele CA2086407.

ClinVar aggregate classification (germline): Uncertain significance (1 of 4 stars; one submission).

Conditions:
Congenital hyperammonemia, type I. Also called: Carbamoyl phosphate synthetase I deficiency disease; CPS I DEFICIENCY; Carbamoyl phosphate synthetase 1 deficiency; Hyperammonemia due to carbamoyl phosphate synthetase 1 deficiency; CPS 1 deficiency; Carbamyl phosphate synthetase (CPS) deficiency. Identifiers: Orphanet 147, MedGen C4082171, MONDO:0009376, OMIM 237300.

Allele frequency attached by ClinVar (database versions not stated): gnomAD 0.00001.
gnomAD v4.1: 2 of 1,612,062 alleles (0.00012%); highest among the groups gnomAD compares: Non-Finnish European, 0.00017%; no homozygotes.

Submission:

Labcorp Genetics (formerly Invitae), Labcorp
Classification: Uncertain significance for Congenital hyperammonemia, type I. Last evaluated: 2021-09-02. Review status: criteria provided, single submitter. Criteria: Invitae Variant Classification Sherloc (09022015). Collection method: clinical testing. Allele origin: germline.
Comment: This sequence change replaces glutamic acid with glutamine at codon 528 of the CPS1 protein (p.Glu528Gln). The glutamic acid residue is moderately conserved and there is a small physicochemical difference between glutamic acid and glutamine. This variant is present in population databases (rs763466112, ExAC 0.002%). This variant has not been reported in the literature in individuals affected with CPS1-related conditions. Algorithms developed to predict the effect of missense changes on protein structure and function (SIFT, PolyPhen-2, Align-GVGD) all suggest that this variant is likely to be tolerated. In summary, the available evidence is currently insufficient to determine the role of this variant in disease. Therefore, it has been classified as a Variant of Uncertain Significance.